The following is an entry in ClinVar:

NM_000090.4(COL3A1):c.2287C>T (p.Pro763Ser)

Gene: COL3A1 (collagen type III alpha 1 chain; plus strand). Cytogenetic location: 2q32.2.
Variant type: single nucleotide variant.
Coding change: c.2287C>T on transcript NM_000090.4 (MANE Select); coding-DNA position 2287, C replaced by T.
Protein change: p.Pro763Ser; replaces proline 763 with serine.
Molecular consequence: missense variant.
Genome position (GRCh38, 1-based): chr2:189,001,400, C>T. VCF-style: chr2-189001400-C-T. GRCh37 (hg19) VCF-style: chr2-189866126-C-T.
Other names: short protein forms P763S.
Identifiers: ClinVar variation 626570 (VCV000626570.19), dbSNP rs771671892, ClinGen allele CA075189.

ClinVar aggregate classification (germline): Conflicting classifications of pathogenicity. Review status: criteria provided, conflicting classifications (1 of 4 stars). 6 submissions from 6 submitters: Uncertain significance (1); Likely benign (5). Last evaluated 2026-02-24.

Conditions:
Familial thoracic aortic aneurysm and aortic dissection (TAAD). Also called: Thoracic aortic aneurysms and dissections. Identifiers: Orphanet 91387, MedGen C4707243, MONDO:0019625.
Ehlers-Danlos syndrome, type 4 (EDSVASC). Also called: Ehlers-Danlos syndrome vascular type; Ehlers Danlos syndrome, ecchymotic type; Ehlers Danlos syndrome, arterial type; Ehlers Danlos syndrome, Sack-Barabas type; Ehlers-Danlos Syndrome Type IV. Identifiers: Orphanet 286, MedGen C0268338, MONDO:0017314, OMIM 130050.

Allele frequency attached by ClinVar (database versions not stated): gnomAD 0.00002 and 0.00007; TOPMed 0.00002; gnomAD exomes 0.00016 and 0.00038; ExAC 0.00037.

Submissions (6):

Women's Health and Genetics/Laboratory Corporation of America, LabCorp
Classification: Likely benign. Last evaluated: 2026-02-24. Review status: criteria provided, single submitter. Criteria: LabCorp Variant Classification Summary - May 2015. Collection method: clinical testing. Allele origin: germline.
Comment: Variant summary: COL3A1 c.2287C>T (p.Pro763Ser) results in a non-conservative amino acid change in the encoded protein sequence. Algorithms developed to predict the effect of missense changes on protein structure and function are either unavailable or do not agree on the potential impact of this missense change. The variant allele was found at a frequency of 0.00038 in 250818 control chromosomes, predominantly at a frequency of 0.003 within the South Asian subpopulation in the gnomAD database, including 1 homozygote. The observed variant frequency within South Asian control individuals in the gnomAD database exceeds the estimated maximal expected allele frequency for disease-causing variants in COL3A1. To our knowledge, no occurrence of c.2287C>T in individuals affected with COL3A1-related conditions and no experimental evidence demonstrating its impact on protein function have been reported. ClinVar contains an entry for this variant (Variation ID: 626570). Based on the evidence outlined above, the variant was classified as likely benign.

Labcorp Genetics (formerly Invitae), Labcorp
Classification: Likely benign for Ehlers-Danlos syndrome, type 4. Last evaluated: 2025-10-31. Review status: criteria provided, single submitter. Criteria: Invitae Variant Classification Sherloc (09022015). Collection method: clinical testing. Allele origin: germline.

Blueprint Genetics
Classification: Likely benign. Last evaluated: 2024-11-25. Review status: criteria provided, single submitter. Criteria: ACMG Guidelines, 2015. Collection method: clinical testing. Allele origin: germline.

Ambry Genetics
Classification: Likely benign for Familial thoracic aortic aneurysm and aortic dissection. Last evaluated: 2020-08-17. Review status: criteria provided, single submitter. Criteria: Ambry Variant Classification Scheme 2023. Collection method: clinical testing. Allele origin: germline.

Color Diagnostics, LLC DBA Color Health
Classification: Likely benign for Familial thoracic aortic aneurysm and aortic dissection. Last evaluated: 2018-12-04. Review status: criteria provided, single submitter. Criteria: ACMG Guidelines, 2015. Collection method: clinical testing. Allele origin: germline.

CHEO Genetics Diagnostic Laboratory, Children's Hospital of Eastern Ontario
Classification: Uncertain significance for Familial thoracic aortic aneurysm and aortic dissection. Last evaluated: 2016-12-21. Review status: criteria provided, single submitter. Criteria: ACMG Guidelines, 2015. Collection method: clinical testing. Allele origin: germline. Study: Canadian Open Genetics Repository.